The following is an entry in ClinVar:

ClinVar aggregate classification (germline): Uncertain significance (1 of 4 stars; one submission).

gnomAD v4.1: 6 of 1,613,072 alleles (0.00037%); highest among the groups gnomAD compares: Admixed American, 0.01%; no homozygotes.

Submission:

Labcorp Genetics (formerly Invitae), Labcorp
Classification: Uncertain significance. Last evaluated: 2024-09-14. Review status: criteria provided, single submitter. Criteria: Invitae Variant Classification Sherloc (09022015). Collection method: clinical testing. Allele origin: germline.
Comment: This sequence change affects codon 631 of the ENPP1 mRNA. It is a 'silent' change, meaning that it does not change the encoded amino acid sequence of the ENPP1 protein. This variant also falls at the last nucleotide of exon 18, which is part of the consensus splice site for this exon. This variant is present in population databases (rs763463732, gnomAD 0.01%). This variant has not been reported in the literature in individuals affected with ENPP1-related conditions. Variants that disrupt the consensus splice site are a relatively common cause of aberrant splicing (PMID: 17576681, 9536098). Algorithms developed to predict the effect of sequence changes on RNA splicing suggest that this variant is not likely to affect RNA splicing. In summary, the available evidence is currently insufficient to determine the role of this variant in disease. Therefore, it has been classified as a Variant of Uncertain Significance.

Literature cited by the submitters: PubMed 17576681; PubMed 9536098.

NM_006208.3(ENPP1):c.1893G>C (p.Ser631=)

Gene: ENPP1 (ectonucleotide pyrophosphatase/phosphodiesterase 1; plus strand). Cytogenetic location: 6q23.2.
Variant type: single nucleotide variant.
Coding change: c.1893G>C on transcript NM_006208.3 (MANE Select); coding-DNA position 1893, G replaced by C.
Protein change: p.Ser631=; no amino-acid change (serine 631 retained).
Molecular consequence: synonymous variant.
Genome position (GRCh38, 1-based): chr6:131,877,161, G>C. VCF-style: chr6-131877161-G-C. GRCh37 (hg19) VCF-style: chr6-132198301-G-C.
Identifiers: ClinVar variation 3703987 (VCV003703987.2).
Genomic context (GRCh38, chr6:131,877,161, plus strand): 5'-GGTACAGTGCCCCTTCACAAGAAACCCCAGAGATAACCTTGGCTGCTCATGTAACCCTTC[G>C]GTAAGTATCGTCAAGAAGTTTGGTCCAGTATGTATGGTTTGATAGCACCCTCTGCATAGC-3'
Protein context (NP_006199.2, residues 621-641): RDNLGCSCNP[Ser631=]ILPIEDFQTQ